The following is an entry in ClinVar:

ClinVar aggregate classification (germline): Likely pathogenic (1 of 4 stars; one submission).

Submission:

GeneDx
Classification: Likely pathogenic. Last evaluated: 2015-12-29. Review status: criteria provided, single submitter. Criteria: GeneDx Variant Classification (06012015). Collection method: clinical testing. Allele origin: germline. Affected: yes.
Comment: The L1828P variant in the EP300 gene has not been reported previously as a pathogenic variant, nor as a benign variant, to our knowledge. The L1828P variant was not observed in approximately 6,500 individuals of European and African American ancestry in the NHLBI Exome Sequencing Project, indicating it is not a common benign variant in these populations. The L1828P variant is a semi-conservative amino acid substitution, which may impact secondary protein structure as these residues differ in some properties. This substitution occurs at a position that is conserved across species. In silico analysis is inconsistent in its predictions as to whether or not the variant is damaging to the protein structure/function. The L1828P variant is a strong candidate for a pathogenic variant.

NM_001429.4(EP300):c.5483T>C (p.Leu1828Pro)

Gene: EP300 (E1A binding protein p300; plus strand). Cytogenetic location: 22q13.2.
Variant type: single nucleotide variant.
Coding change: c.5483T>C on transcript NM_001429.4 (MANE Select); coding-DNA position 5483, T replaced by C.
Protein change: p.Leu1828Pro; replaces leucine 1828 with proline.
Molecular consequence: missense variant.
Genome position (GRCh38, 1-based): chr22:41,177,194, T>C. VCF-style: chr22-41177194-T-C. GRCh37 (hg19) VCF-style: chr22-41573198-T-C.
Other names: c.5405T>C, p.Leu1802Pro (NM_001362843.2); short protein forms L1828P, L1802P.
Identifiers: ClinVar variation 372823 (VCV000372823.1), dbSNP rs1057518002, ClinGen allele CA16043185.
Genomic context (GRCh38, chr22:41,177,194, plus strand): 5'-ACATCAAGCAGAAGCTCCGGCAGCAACAGCTGCAGCACCGACTACAGCAGGCCCAAATGC[T>C]TCGCAGGAGGATGGCCAGCATGCAGCGGACTGGTGTGGTTGGGCAGCAACAGGGCCTCCC-3'
Protein context (NP_001420.2, residues 1818-1838): LQHRLQQAQM[Leu1828Pro]RRRMASMQRT